The following is an entry in ClinVar:

NM_000384.3(APOB):c.8889C>G (p.Ile2963Met)

Gene: APOB (apolipoprotein B; minus strand). Cytogenetic location: 2p24.1.
Variant type: single nucleotide variant.
Coding change: c.8889C>G on transcript NM_000384.3 (MANE Select); coding-DNA position 8889, C replaced by G.
Protein change: p.Ile2963Met; replaces isoleucine 2963 with methionine.
Molecular consequence: missense variant.
Genome position (GRCh38, 1-based): chr2:21,007,979, G>C on the plus strand (C>G on the coding strand, the complement: APOB is on the minus strand). VCF-style: chr2-21007979-G-C. GRCh37 (hg19) VCF-style: chr2-21230851-G-C.
Other names: short protein forms I2963M.
Identifiers: ClinVar variation 4686918 (VCV004686918.1).
Genomic context (GRCh38, chr2:21,007,979, plus strand): 5'-AAAGTTGAGGGAGCCAGATTCATAAACCAAGTTTTGGTTTACTCTTAGGTGTTTGCTATT[G>C]ATCTTATTGGACAGTCCAAAGGAAGTGAGGGGTCCTTCTATGGTGAAACTAATTTGTGAT-3'
Protein context (NP_000375.3, residues 2953-2973): PLTSFGLSNK[Ile2963Met]NSKHLRVNQN

ClinVar aggregate classification (germline): Uncertain significance (1 of 4 stars; one submission).

gnomAD v4.1: 1 of 1,613,932 alleles (0.000062%); highest among the groups gnomAD compares: Non-Finnish European, 0.000085%; no homozygotes.

Submission:

GeneDx
Classification: Uncertain significance. Last evaluated: 2025-07-24. Review status: criteria provided, single submitter. Criteria: GeneDx Variant Classification Process June 2021. Collection method: clinical testing. Allele origin: germline. Affected: yes.
Comment: Not observed at significant frequency in large population cohorts (gnomAD); In silico analysis suggests that this missense variant does not alter protein structure/function; Has not been previously published as pathogenic or benign to our knowledge